The following is an entry in ClinVar:

NM_000051.4(ATM):c.7687_7768dup (p.Gln2590delinsLeuSerLysCysLysGlnArgTer)

Genes: ATM (ATM serine/threonine kinase; plus strand), C11orf65 (chromosome 11 open reading frame 65; minus strand). Cytogenetic location: 11q22.3.
Variant type: Duplication.
Coding change: c.7687_7768dup on transcript NM_000051.4 (MANE Select); coding-DNA positions 7687 to 7768, 82 bases duplicated.
Protein change: p.Gln2590delinsLeuSerLysCysLysGlnArgTer.
Molecular consequence: nonsense. On other transcripts: intron variant (2), frameshift variant (1).
Genome position (GRCh38, 1-based): chr11:108,331,936-108,332,017, 82 bases duplicated. GRCh37 (hg19): chr11:108,202,663-108,202,744.
Other names: c.7687_7768dup, p.Gln2590delinsLeuSerLysCysLysGlnArgTer (NM_001351834.2); c.641-22945_641-22864dup (NM_001330368.2); c.*38+3204_*38+3285dup (NM_001351110.2); c.7687_7768dupTTAGCAAATGCAAACAGAGATGAATTTCTGACTAAACCAGAGGTAGCCAGAAGAAGCAGAATAACTAAAAATGTGCCTAAAC (NM_000051.3).
Identifiers: ClinVar variation 4617462 (VCV004617462.1).

ClinVar aggregate classification (germline): Pathogenic (1 of 4 stars; one submission).

Conditions:
Hereditary cancer-predisposing syndrome. Also called: Hereditary Cancer Syndrome; Neoplastic Syndromes, Hereditary; Tumor predisposition; Hereditary neoplastic syndrome. Identifiers: Orphanet 140162, MedGen C0027672, MeSH D009386, MONDO:0015356.

Submission:

Ambry Genetics
Classification: Pathogenic for Hereditary cancer-predisposing syndrome. Last evaluated: 2025-10-16. Review status: criteria provided, single submitter. Criteria: Ambry Variant Classification Scheme 2023. Collection method: clinical testing. Allele origin: germline.
Comment: The c.7687_7768dup82 variant, located in coding exon 51 of the ATM gene, results from a duplication of TTAGCAAATGCAAACAGAGATGAATTTCTGACTAAACCAGAGGTAGCCAGAAGAAGCAGAATAACTAAAAATGTGCCTAAAC at nucleotide positions 7687 to 7768, causing a translational frameshift with a predicted alternate stop codon (p.Q2590Lfs*8). This variant is considered to be rare based on population cohorts in the Genome Aggregation Database (gnomAD). This alteration is expected to result in loss of function by premature protein truncation or nonsense-mediated mRNA decay. As such, this alteration is interpreted as a disease-causing mutation.